The following is an entry in ClinVar:

ClinVar aggregate classification (germline): Uncertain significance (1 of 4 stars; one submission).

Conditions:
Charcot-Marie-Tooth disease dominant intermediate C (CMTDIC). Also called: CHARCOT-MARIE-TOOTH NEUROPATHY, DOMINANT INTERMEDIATE C. Identifiers: Orphanet 100045, MedGen C1842237, MONDO:0012012, OMIM 608323.

Submission:

Labcorp Genetics (formerly Invitae), Labcorp
Classification: Uncertain significance for Charcot-Marie-Tooth disease dominant intermediate C. Last evaluated: 2023-07-26. Review status: criteria provided, single submitter. Criteria: Invitae Variant Classification Sherloc (09022015). Collection method: clinical testing. Allele origin: germline.
Comment: This sequence change replaces alanine, which is neutral and non-polar, with glycine, which is neutral and non-polar, at codon 337 of the YARS protein (p.Ala337Gly). This variant is not present in population databases (gnomAD no frequency). This variant has not been reported in the literature in individuals affected with YARS-related conditions. In summary, the available evidence is currently insufficient to determine the role of this variant in disease. Therefore, it has been classified as a Variant of Uncertain Significance. Advanced modeling of protein sequence and biophysical properties (such as structural, functional, and spatial information, amino acid conservation, physicochemical variation, residue mobility, and thermodynamic stability) performed at Invitae indicates that this missense variant is not expected to disrupt YARS protein function.

NM_003680.4(YARS1):c.1010C>G (p.Ala337Gly)

Gene: YARS1 (tyrosyl-tRNA synthetase 1; minus strand). Cytogenetic location: 1p35.1.
Variant type: single nucleotide variant.
Coding change: c.1010C>G on transcript NM_003680.4 (MANE Select); coding-DNA position 1010, C replaced by G.
Protein change: p.Ala337Gly; replaces alanine 337 with glycine.
Molecular consequence: missense variant.
Genome position (GRCh38, 1-based): chr1:32,782,436, G>C on the plus strand (C>G on the coding strand, the complement: YARS1 is on the minus strand). VCF-style: chr1-32782436-G-C. GRCh37 (hg19) VCF-style: chr1-33248037-G-C.
Other names: short protein forms A337G.
Identifiers: ClinVar variation 2747229 (VCV002747229.3), dbSNP rs947243669, ClinGen allele CA20275601.